The following is an entry in ClinVar:

ClinVar aggregate classification (germline): Uncertain significance (1 of 4 stars; one submission).

Conditions:
Perlman syndrome (PRLMNS). Identifiers: Orphanet 2849, MedGen C0796113, MONDO:0009965, OMIM 267000.

Allele frequency attached by ClinVar (database versions not stated): gnomAD exomes below 0.00001.
gnomAD v4.1: 1 of 1,611,038 alleles (0.000062%); highest among the groups gnomAD compares: Non-Finnish European, 0.000085%; no homozygotes.

Submission:

Labcorp Genetics (formerly Invitae), Labcorp
Classification: Uncertain significance for Perlman syndrome. Last evaluated: 2021-05-25. Review status: criteria provided, single submitter. Criteria: Invitae Variant Classification Sherloc (09022015). Collection method: clinical testing. Allele origin: germline.
Comment: In summary, the available evidence is currently insufficient to determine the role of this variant in disease. Therefore, it has been classified as a Variant of Uncertain Significance. Algorithms developed to predict the effect of missense changes on protein structure and function output the following: SIFT: "Tolerated"; PolyPhen-2: "Benign"; Align-GVGD: "Class C0". The valine amino acid residue is found in multiple mammalian species, suggesting that this missense change does not adversely affect protein function. These predictions have not been confirmed by published functional studies and their clinical significance is uncertain. This variant has not been reported in the literature in individuals with DIS3L2-related conditions. This variant is not present in population databases (ExAC no frequency). This sequence change replaces isoleucine with valine at codon 836 of the DIS3L2 protein (p.Ile836Val). The isoleucine residue is moderately conserved and there is a small physicochemical difference between isoleucine and valine.

NM_152383.5(DIS3L2):c.2506A>G (p.Ile836Val)

Gene: DIS3L2 (DIS3 like 3'-5' exoribonuclease 2; plus strand). Cytogenetic location: 2q37.1.
Variant type: single nucleotide variant.
Coding change: c.2506A>G on transcript NM_152383.5 (MANE Select); coding-DNA position 2506, A replaced by G.
Protein change: p.Ile836Val; replaces isoleucine 836 with valine.
Molecular consequence: missense variant. On other transcripts: non-coding transcript variant (2), intron variant (1).
Genome position (GRCh38, 1-based): chr2:232,336,478, A>G. VCF-style: chr2-232336478-A-G. GRCh37 (hg19) VCF-style: chr2-233201188-A-G.
Other names: c.1582-6867A>G (NM_001257281.2); short protein forms I836V.
Identifiers: ClinVar variation 1363431 (VCV001363431.8), dbSNP rs1559221636, ClinGen allele CA350978851.